The following is an entry in ClinVar:

NM_013450.4(BAZ2B):c.4461del (p.Lys1488fs)

Genes: BAZ2B (bromodomain adjacent to zinc finger domain 2B; minus strand), LOC126806390 (CDK7 strongly-dependent group 2 enhancer GRCh37_chr2:160205700-160206899; plus strand). Cytogenetic location: 2q24.2.
Variant type: Deletion.
Coding change: c.4461del on transcript NM_013450.4 (MANE Select); coding-DNA position 4461, one base deleted (C; older notation c.4461delC).
Protein change: p.Lys1488fs; shifts the reading frame from lysine 1488.
Molecular consequence: frameshift variant.
Genome position (GRCh38, 1-based): chr2:159,350,110, G deleted on the plus strand (C on the coding strand, the reverse complement: BAZ2B is on the minus strand); the first of 5 consecutive G bases (chr2:159,350,110-159,350,114); deleting any one gives the same sequence. VCF-style (leftmost placement, unchanged base first): chr2-159350109-TG-T. GRCh37 (hg19) VCF-style: chr2-160206620-TG-T.
Other names: c.4353del, p.Lys1452fs (NM_001289975.1); c.4299del, p.Lys1434fs (NM_001329857.2); c.4386del, p.Lys1463fs (NM_001329858.2); short protein forms K1434fs, K1452fs, K1463fs, K1488fs.
Identifiers: ClinVar variation 3369272 (VCV003369272.1).

ClinVar aggregate classification (germline): Uncertain significance (1 of 4 stars; one submission).

Submission:

GeneDx
Classification: Uncertain significance. Last evaluated: 2024-02-14. Review status: criteria provided, single submitter. Criteria: GeneDx Variant Classification Process June 2021. Collection method: clinical testing. Allele origin: germline. Affected: yes.
Comment: Not observed at significant frequency in large population cohorts (gnomAD); Frameshift variant predicted to result in protein truncation or nonsense mediated decay in a gene or region of a gene for which loss of function is not a well-established mechanism of disease; Has not been previously published as pathogenic or benign to our knowledge